The following is an entry in ClinVar:

ClinVar aggregate classification (germline): Uncertain significance. Review status: criteria provided, multiple submitters, no conflicts (2 of 4 stars). 2 submissions from 2 submitters: Uncertain significance (2). Last evaluated 2023-09-28.

Conditions:
Rienhoff syndrome. Also called: LOEYS-DIETZ SYNDROME 5. Identifiers: MedGen C3810012, MONDO:0014262, OMIM 615582.
Brugada syndrome. Also called: Sudden Unexplained Death Syndrome; Sudden Unexplained Nocturnal Death Syndrome (SUNDS); Sudden unexpected nocturnal death syndrome; Sudden unexplained nocturnal death syndrome. Identifiers: Orphanet 130, MedGen C1142166, MONDO:0015263.

Allele frequency attached by ClinVar (database versions not stated): gnomAD 0.00001; 1000 Genomes Project 30x 0.00016; 1000 Genomes Project 0.00020.
gnomAD v4.1: 7 of 1,614,198 alleles (0.00043%); highest among the groups gnomAD compares: African/African-American, 0.0027%; no homozygotes.

Submissions (2):

Labcorp Genetics (formerly Invitae), Labcorp
Classification: Uncertain significance for Rienhoff syndrome. Last evaluated: 2023-09-28. Review status: criteria provided, single submitter. Criteria: Invitae Variant Classification Sherloc (09022015). Collection method: clinical testing. Allele origin: germline.
Comment: In summary, the available evidence is currently insufficient to determine the role of this variant in disease. Therefore, it has been classified as a Variant of Uncertain Significance. An algorithm developed to predict the effect of missense changes on protein structure and function (PolyPhen-2) suggests that this variant is likely to be disruptive. ClinVar contains an entry for this variant (Variation ID: 691664). This variant has not been reported in the literature in individuals affected with TGFB3-related conditions. This variant is present in population databases (rs547264290, gnomAD 0.007%). This sequence change replaces arginine, which is basic and polar, with histidine, which is basic and polar, at codon 261 of the TGFB3 protein (p.Arg261His).

Center for Advanced Laboratory Medicine, UC San Diego Health, University of California San Diego
Classification: Uncertain significance for Brugada syndrome. Last evaluated: 2018-12-24. Review status: criteria provided, single submitter. Criteria: ACMG Guidelines, 2015. Collection method: clinical testing. Allele origin: germline. Affected: yes. Observed: 1 variant allele.

NM_003239.5(TGFB3):c.782G>A (p.Arg261His)

Gene: TGFB3 (transforming growth factor beta 3; minus strand). Cytogenetic location: 14q24.3.
Variant type: single nucleotide variant.
Coding change: c.782G>A on transcript NM_003239.5 (MANE Select); coding-DNA position 782, G replaced by A.
Protein change: p.Arg261His; replaces arginine 261 with histidine.
Molecular consequence: missense variant.
Genome position (GRCh38, 1-based): chr14:75,963,460, C>T on the plus strand (G>A on the coding strand, the complement: TGFB3 is on the minus strand). VCF-style: chr14-75963460-C-T. GRCh37 (hg19) VCF-style: chr14-76429803-C-T.
Other names: c.782G>A, p.Arg261His (NM_001329938.2, NM_001329939.2); short protein forms R261H.
Identifiers: ClinVar variation 691664 (VCV000691664.4), dbSNP rs547264290, ClinGen allele CA263703209.